The following is an entry in ClinVar:

ClinVar aggregate classification (germline): Uncertain significance (1 of 4 stars; one submission).

Conditions:
Baller-Gerold syndrome (BGS). Also called: CRANIOSYNOSTOSIS WITH RADIAL DEFECTS. Identifiers: Orphanet 1225, MedGen C0265308, MONDO:0009039, OMIM 218600.

Allele frequency attached by ClinVar (database versions not stated): gnomAD 0.00001 and 0.00002; gnomAD exomes 0.00001; TOPMed 0.00002; ExAC 0.00003.
gnomAD v4.1: 18 of 1,607,120 alleles (0.0011%); highest among the groups gnomAD compares: East Asian, 0.0045%; no homozygotes.

Submission:

Labcorp Genetics (formerly Invitae), Labcorp
Classification: Uncertain significance for Baller-Gerold syndrome. Last evaluated: 2023-11-19. Review status: criteria provided, single submitter. Criteria: Invitae Variant Classification Sherloc (09022015). Collection method: clinical testing. Allele origin: germline.
Comment: This sequence change replaces glutamic acid, which is acidic and polar, with lysine, which is basic and polar, at codon 1015 of the RECQL4 protein (p.Glu1015Lys). This variant is present in population databases (rs771381171, gnomAD 0.004%). This variant has not been reported in the literature in individuals affected with RECQL4-related conditions. ClinVar contains an entry for this variant (Variation ID: 528952). Advanced modeling of protein sequence and biophysical properties (such as structural, functional, and spatial information, amino acid conservation, physicochemical variation, residue mobility, and thermodynamic stability) performed at Invitae indicates that this missense variant is not expected to disrupt RECQL4 protein function with a negative predictive value of 80%. In summary, the available evidence is currently insufficient to determine the role of this variant in disease. Therefore, it has been classified as a Variant of Uncertain Significance.

NM_004260.4(RECQL4):c.3043G>A (p.Glu1015Lys)

Gene: RECQL4 (RecQ like helicase 4; minus strand). Cytogenetic location: 8q24.3.
Variant type: single nucleotide variant.
Coding change: c.3043G>A on transcript NM_004260.4 (MANE Select); coding-DNA position 3043, G replaced by A.
Protein change: p.Glu1015Lys; replaces glutamic acid 1015 with lysine.
Molecular consequence: missense variant.
Genome position (GRCh38, 1-based): chr8:144,512,404, C>T on the plus strand (G>A on the coding strand, the complement: RECQL4 is on the minus strand). VCF-style: chr8-144512404-C-T. GRCh37 (hg19) VCF-style: chr8-145737787-C-T.
Other names: short protein forms E1015K.
Identifiers: ClinVar variation 528952 (VCV000528952.5), dbSNP rs771381171, ClinGen allele CA4947965.